The following is an entry in ClinVar:

ClinVar aggregate classification (germline): Conflicting classifications of pathogenicity. Review status: criteria provided, conflicting classifications (1 of 4 stars). 7 submissions from 7 submitters: Uncertain significance (1); Benign (1); Likely benign (4). 1 of the submissions does not count toward it. Last evaluated 2026-01-07.

Conditions:
KMT2D-related disorder. Also called: KMT2D-Related Disorders.
Kabuki syndrome. Also called: Kabuki make-up syndrome; NIIKAWA-KUROKI SYNDROME. Identifiers: Orphanet 2322, MedGen C0796004, MONDO:0016512.

Allele frequency attached by ClinVar (database versions not stated): TOPMed 0.00010; gnomAD 0.00014; 1000 Genomes Project 30x 0.00016; ESP Exome Variant Server 0.00017; ExAC 0.00023.
gnomAD v4.1: 309 of 1,612,540 alleles (0.019%); highest among the groups gnomAD compares: Non-Finnish European, 0.023%; no homozygotes.

Submissions (7):

Labcorp Genetics (formerly Invitae), Labcorp
Classification: Likely benign for Kabuki syndrome. Last evaluated: 2026-01-07. Review status: criteria provided, single submitter. Criteria: Invitae Variant Classification Sherloc (09022015). Collection method: clinical testing. Allele origin: germline.

CeGaT Center for Human Genetics Tuebingen
Classification: Likely benign. Last evaluated: 2025-11-01. Review status: criteria provided, single submitter. Criteria: CeGaT Center For Human Genetics Tuebingen Variant Classification Criteria Version 2. Collection method: clinical testing. Allele origin: germline. Affected: yes. Observed: 1 variant allele.
Comment: KMT2D: BP4, BP7

Blueprint Genetics
Classification: Likely benign. Last evaluated: 2024-11-04. Review status: criteria provided, single submitter. Criteria: ACMG Guidelines, 2015. Collection method: clinical testing. Allele origin: germline.

GeneDx
Classification: Likely benign. Last evaluated: 2020-11-12. Review status: criteria provided, single submitter. Criteria: GeneDx Variant Classification Process June 2021. Collection method: clinical testing. Allele origin: germline. Affected: yes.

Athena Diagnostics
Classification: Benign. Last evaluated: 2019-05-31. Review status: criteria provided, single submitter. Criteria: Athena Diagnostics Criteria. Collection method: clinical testing. Allele origin: germline.

Eurofins Ntd Llc (ga)
Classification: Uncertain significance. Last evaluated: 2016-02-17. Review status: criteria provided, single submitter. Criteria: EGL Classification Definitions 2015. Collection method: clinical testing. Allele origin: germline. Observed: 1 variant allele, 1 heterozygote.

PreventionGenetics, part of Exact Sciences
Classification: Likely benign for KMT2D-related condition. Last evaluated: 2020-02-24. Review status: no assertion criteria provided. Collection method: clinical testing. Allele origin: germline. Not counted in ClinVar's aggregate classification.
Comment: This variant is classified as likely benign based on ACMG/AMP sequence variant interpretation guidelines (Richards et al. 2015 PMID: 25741868, with internal and published modifications).

NM_003482.4(KMT2D):c.2847G>A (p.Pro949=)

Gene: KMT2D (lysine methyltransferase 2D; minus strand). Cytogenetic location: 12q13.12.
Variant type: single nucleotide variant.
Coding change: c.2847G>A on transcript NM_003482.4 (MANE Select); coding-DNA position 2847, G replaced by A.
Protein change: p.Pro949=; no amino-acid change (proline 949 retained).
Molecular consequence: synonymous variant.
Genome position (GRCh38, 1-based): chr12:49,050,741, C>T on the plus strand (G>A on the coding strand, the complement: KMT2D is on the minus strand). VCF-style: chr12-49050741-C-T. GRCh37 (hg19) VCF-style: chr12-49444524-C-T.
Identifiers: ClinVar variation 286331 (VCV000286331.27), dbSNP rs369436545, ClinGen allele CA6548161.
Genomic context (GRCh38, chr12:49,050,741, plus strand): 5'-AGGGTCACTGTCCCCTTTGGCACCAAAGGGGTACTCTAACTCCCCCAAAGGAGACAGGGC[C>T]GGTGGGGCCGCAGCTGTGATGATGGGTGAGAGTGGAGGAGGAAGGGGATCTGGAAGGAAA-3'
Protein context (NP_003473.3, residues 939-959): LSPIITAAAP[Pro949=]ALSPLGELEY